The following is an entry in ClinVar:

ClinVar aggregate classification (germline): Uncertain significance. Review status: criteria provided, multiple submitters, no conflicts (2 of 4 stars). 4 submissions from 3 submitters: Uncertain significance (4). Last evaluated 2024-12-27.

Conditions:
Seckel syndrome 1 (SCKL1). Also called: MICROCEPHALIC PRIMORDIAL DWARFISM I. Identifiers: Orphanet 808, MedGen C4551474, MONDO:0008869, OMIM 210600.
Familial cutaneous telangiectasia and oropharyngeal predisposition cancer syndrome. Identifiers: Orphanet 313846, MedGen C3281203, MONDO:0013806, OMIM 614564.
Inborn genetic diseases. Identifiers: MedGen C0950123, MeSH D030342.

Allele frequency attached by ClinVar (database versions not stated): TOPMed below 0.00001; gnomAD 0.00001; gnomAD exomes 0.00001 and 0.00002; ExAC 0.00002; ESP Exome Variant Server 0.00008.
gnomAD v4.1: 5 of 1,613,640 alleles (0.00031%); highest among the groups gnomAD compares: African/African-American, 0.0013%; no homozygotes.

Submissions (4):

Labcorp Genetics (formerly Invitae), Labcorp
Classification: Uncertain significance. Last evaluated: 2024-12-27. Review status: criteria provided, single submitter. Criteria: Invitae Variant Classification Sherloc (09022015). Collection method: clinical testing. Allele origin: germline.
Comment: This sequence change replaces asparagine, which is neutral and polar, with serine, which is neutral and polar, at codon 2496 of the ATR protein (p.Asn2496Ser). This variant is present in population databases (rs373093280, gnomAD 0.003%). This variant has not been reported in the literature in individuals affected with ATR-related conditions. ClinVar contains an entry for this variant (Variation ID: 1448387). An algorithm developed to predict the effect of missense changes on protein structure and function (PolyPhen-2) suggests that this variant is likely to be disruptive. In summary, the available evidence is currently insufficient to determine the role of this variant in disease. Therefore, it has been classified as a Variant of Uncertain Significance.

Ambry Genetics
Classification: Uncertain significance for Inborn genetic diseases. Last evaluated: 2024-07-06. Review status: criteria provided, single submitter. Criteria: Ambry Variant Classification Scheme 2023. Collection method: clinical testing. Allele origin: germline.
Comment: The p.N2496S variant (also known as c.7487A>G), located in coding exon 44 of the ATR gene, results from an A to G substitution at nucleotide position 7487. The asparagine at codon 2496 is replaced by serine, an amino acid with highly similar properties. This amino acid position is conserved. In addition, this alteration is predicted to be tolerated by in silico analysis. Since supporting evidence is limited at this time, the clinical significance of this alteration remains unclear.

Genome-Nilou Lab
Classification: Uncertain significance for Seckel syndrome 1. Last evaluated: 2023-02-08. Review status: criteria provided, single submitter. Criteria: ACMG Guidelines, 2015. Collection method: clinical testing. Allele origin: germline.

Genome-Nilou Lab
Classification: Uncertain significance for Familial cutaneous telangiectasia and oropharyngeal predisposition cancer syndrome. Last evaluated: 2023-02-08. Review status: criteria provided, single submitter. Criteria: ACMG Guidelines, 2015. Collection method: clinical testing. Allele origin: germline.

NM_001184.4(ATR):c.7487A>G (p.Asn2496Ser)

Gene: ATR (ATR checkpoint kinase; minus strand). Cytogenetic location: 3q23.
Variant type: single nucleotide variant.
Coding change: c.7487A>G on transcript NM_001184.4 (MANE Select); coding-DNA position 7487, A replaced by G.
Protein change: p.Asn2496Ser; replaces asparagine 2496 with serine.
Molecular consequence: missense variant.
Genome position (GRCh38, 1-based): chr3:142,458,974, T>C on the plus strand (A>G on the coding strand, the complement: ATR is on the minus strand). VCF-style: chr3-142458974-T-C. GRCh37 (hg19) VCF-style: chr3-142177816-T-C.
Other names: c.7295A>G, p.Asn2432Ser (NM_001354579.2); short protein forms N2496S, N2432S.
Identifiers: ClinVar variation 1448387 (VCV001448387.11), dbSNP rs373093280, ClinGen allele CA2649129.